The following is an entry in ClinVar:

NM_001278431.2(C1QTNF5):c.329G>T (p.Arg110Leu)

Genes: C1QTNF5 (C1q and TNF related 5; minus strand), MFRP (membrane frizzled-related protein; minus strand). Cytogenetic location: 11q23.3.
Variant type: single nucleotide variant.
Coding change: c.329G>T on transcript NM_001278431.2 (MANE Select); coding-DNA position 329, G replaced by T.
Protein change: p.Arg110Leu; replaces arginine 110 with leucine.
Molecular consequence: missense variant. On other transcripts: 3 prime UTR variant (1).
Genome position (GRCh38, 1-based): chr11:119,339,734, C>A on the plus strand (G>T on the coding strand, the complement: C1QTNF5 is on the minus strand). VCF-style: chr11-119339734-C-A. GRCh37 (hg19) VCF-style: chr11-119210444-C-A.
Other names: c.329G>T, p.Arg110Leu (NM_015645.5); c.*1225G>T (NM_031433.4); short protein forms R110L.
Identifiers: ClinVar variation 2140771 (VCV002140771.4), dbSNP rs150126568, ClinGen allele CA6319962.

ClinVar aggregate classification (germline): Uncertain significance (1 of 4 stars; one submission).

Allele frequency attached by ClinVar (database versions not stated): gnomAD 0.00001; gnomAD exomes 0.00001; TOPMed 0.00001; ExAC 0.00005; ESP Exome Variant Server 0.00008.
gnomAD v4.1: 23 of 1,598,656 alleles (0.0014%); highest among the groups gnomAD compares: Non-Finnish European, 0.0019%; no homozygotes.

Submission:

Labcorp Genetics (formerly Invitae), Labcorp
Classification: Uncertain significance. Last evaluated: 2022-02-06. Review status: criteria provided, single submitter. Criteria: Invitae Variant Classification Sherloc (09022015). Collection method: clinical testing. Allele origin: germline.
Comment: In summary, the available evidence is currently insufficient to determine the role of this variant in disease. Therefore, it has been classified as a Variant of Uncertain Significance. Algorithms developed to predict the effect of missense changes on protein structure and function (SIFT, PolyPhen-2, Align-GVGD) all suggest that this variant is likely to be tolerated. This variant has not been reported in the literature in individuals affected with C1QTNF5-related conditions. This variant is present in population databases (rs150126568, gnomAD 0.006%). This sequence change replaces arginine, which is basic and polar, with leucine, which is neutral and non-polar, at codon 110 of the C1QTNF5 protein (p.Arg110Leu).